The following is an entry in ClinVar:

ClinVar aggregate classification (germline): Likely pathogenic (1 of 4 stars; one submission).

Conditions:
Epidermolysis bullosa dystrophica. Also called: Dystrophic epidermolysis bullosa, Hallopeau-Siemens type (formerly); Dystrophic epidermolysis bullosa. Identifiers: Orphanet 303, MedGen C0079294, MONDO:0006543.

Submission:

Natera, Inc.
Classification: Likely pathogenic for Dystrophic epidermolysis bullosa. Last evaluated: 2025-08-03. Review status: criteria provided, single submitter. Criteria: Natera Variant Classification Schema (03/2026). Collection method: clinical testing. Allele origin: germline.
Comment: The c.5533-1G>C variant in COL7A1 is a canonical splice acceptor site variant predicted to affect pre-mRNA splicing, which may result in an abnormal transcript and altered protein product. This variant is expected to result in nonsense mediated decay, truncation, or a dysfunctional protein product. This variant is rare in the general population with a frequency below the threshold expected for the associated phenotype(s). Given the available evidence, this variant is classified as Likely Pathogenic.

NM_000094.4(COL7A1):c.5533-1G>C

Gene: COL7A1 (collagen type VII alpha 1 chain; minus strand). Cytogenetic location: 3p21.31.
Variant type: single nucleotide variant.
Coding change: c.5533-1G>C on transcript NM_000094.4 (MANE Select); the canonical splice acceptor site of the intron before coding-DNA position 5533, G replaced by C.
Molecular consequence: splice acceptor variant.
Genome position (GRCh38, 1-based): chr3:48,577,028, C>G on the plus strand (G>C on the coding strand, the complement: COL7A1 is on the minus strand). VCF-style: chr3-48577028-C-G. GRCh37 (hg19) VCF-style: chr3-48614461-C-G.
Identifiers: ClinVar variation 4817386 (VCV004817386.1).